The following is an entry in ClinVar:

NM_001048174.2(MUTYH):c.1239+1G>A

Gene: MUTYH (mutY DNA glycosylase; minus strand). Cytogenetic location: 1p34.1.
Variant type: single nucleotide variant.
Coding change: c.1239+1G>A on transcript NM_001048174.2 (MANE Select); the canonical splice donor site of the intron after coding-DNA position 1239, G replaced by A.
Molecular consequence: splice donor variant.
Genome position (GRCh38, 1-based): chr1:45,331,419, C>T on the plus strand (G>A on the coding strand, the complement: MUTYH is on the minus strand). VCF-style: chr1-45331419-C-T. GRCh37 (hg19) VCF-style: chr1-45797091-C-T.
Other names: c.1239+1G>A (NM_001407072.1, NM_001407073.1, NM_001048171.2 and 6 more transcripts); c.894+1G>A (NM_001350651.2, NM_001350650.2, NM_001407082.1); c.963+1G>A (NM_001293192.2, NM_001293196.2, NM_001407091.1); c.1284+1G>A (NM_001293190.2); c.1272+1G>A (NM_001407069.1, NM_001407077.1, NM_001293191.2); c.1314+1G>A (NM_012222.3); c.1323+1G>A (NM_001128425.2); c.1242+1G>A (NM_001407071.1, NM_001048172.2, NM_001407078.1 and 1 more transcripts); and 5 more.
Identifiers: ClinVar variation 1769939 (VCV001769939.10), dbSNP rs1644818073, ClinGen allele CA340132821.

ClinVar aggregate classification (germline): Pathogenic. Review status: criteria provided, multiple submitters, no conflicts (2 of 4 stars). 3 submissions from 3 submitters: Pathogenic (3). Last evaluated 2025-08-04.

Conditions:
Familial adenomatous polyposis 2. Also called: MUTYH-associated polyposis; MUTYH-related attenuated familial adenomatous polyposis; FAP type 2; Adenomas, multiple colorectal; MYH-associated polyposis; MUTYH Polyposis. Identifiers: Orphanet 220460, Orphanet 247798, MedGen C3272841, MONDO:0012041, OMIM 608456.
Hereditary cancer-predisposing syndrome. Also called: Hereditary Cancer Syndrome; Hereditary neoplastic syndrome; Neoplastic Syndromes, Hereditary; Tumor predisposition. Identifiers: Orphanet 140162, MedGen C0027672, MeSH D009386, MONDO:0015356.

Submissions (3):

Otogenetics
Classification: Pathogenic for Familial adenomatous polyposis 2. Last evaluated: 2025-08-04. Review status: criteria provided, single submitter. Criteria: ACMG Guidelines, 2015. Collection method: clinical testing. Allele origin: germline. Affected: no.
Comment: PVS1: Null variant occuring in donor site, disrupting rading frame, and altering a critical region in gene with loss of function as mechanism of disease, predicted to undergo NMD; PM2: Variant not observed in gnomAD (<0.25% threshold); PP3: In-silico models predict deleterious affect (MutationTaster = 1, SpliceAI = 0.99)

Labcorp Genetics (formerly Invitae), Labcorp
Classification: Pathogenic for Familial adenomatous polyposis 2. Last evaluated: 2024-04-24. Review status: criteria provided, single submitter. Criteria: Invitae Variant Classification Sherloc (09022015). Collection method: clinical testing. Allele origin: germline.
Comment: This sequence change affects a donor splice site in intron 13 of the MUTYH gene. RNA analysis indicates that disruption of this splice site induces altered splicing and likely disrupts the C-terminus of the protein. This variant is not present in population databases (gnomAD no frequency). Disruption of this splice site has been observed in individual(s) with polyposis (external communication). In at least one individual the data is consistent with being in trans (on the opposite chromosome) from a pathogenic variant. ClinVar contains an entry for this variant (Variation ID: 1769939). Studies have shown that disruption of this splice site results in activation of a cryptic splice site and introduces a new termination codon (Invitae). However the mRNA is not expected to undergo nonsense-mediated decay. This variant disrupts the conserved PCNA binding motif of the MUTYH protein, which has been shown to be critical for MUTYH-PCNA binding and repair efficiency (PMID: 11092888, 26377631, 11433026, 11864576). While functional studies have not been performed to directly test the effect of this variant on MUTYH protein function, this suggests that disruption of this region of the protein is causative of disease. For these reasons, this variant has been classified as Pathogenic.

Ambry Genetics
Classification: Pathogenic for Hereditary cancer-predisposing syndrome. Last evaluated: 2020-03-19. Review status: criteria provided, single submitter. Criteria: Ambry Variant Classification Scheme 2023. Collection method: clinical testing. Allele origin: germline.
Comment: The c.1323+1G>A intronic pathogenic mutation results from a G to A substitution one nucleotide after coding exon 13 of the MUTYH gene. RNA studies have demonstrated that this alteration results in abnormal splicing in the set of samples tested (Ambry internal data). In addition to the clinical data presented in the literature, alterations that disrupt the canonical splice site are expected to cause aberrant splicing, resulting in an abnormal protein or a transcript that is subject to nonsense-mediated mRNA decay. As such, this alteration is classified as a disease-causing mutation.

Literature cited by the submitters: PubMed 11092888 (cited by Labcorp Genetics (formerly Invitae), Labcorp); PubMed 26377631 (cited by Labcorp Genetics (formerly Invitae), Labcorp); PubMed 11433026 (cited by Labcorp Genetics (formerly Invitae), Labcorp); PubMed 11864576 (cited by Labcorp Genetics (formerly Invitae), Labcorp); PubMed 29610499 (cited by Ambry Genetics).